The following is an entry in ClinVar:

NM_000089.4(COL1A2):c.587G>A (p.Gly196Asp)

Gene: COL1A2 (collagen type I alpha 2 chain; plus strand). Cytogenetic location: 7q21.3.
Variant type: single nucleotide variant.
Coding change: c.587G>A on transcript NM_000089.4 (MANE Select); coding-DNA position 587, G replaced by A.
Protein change: p.Gly196Asp; replaces glycine 196 with aspartic acid.
Molecular consequence: missense variant.
Genome position (GRCh38, 1-based): chr7:94,406,296, G>A. VCF-style: chr7-94406296-G-A. GRCh37 (hg19) VCF-style: chr7-94035608-G-A.
Other names: short protein forms G196D.
Identifiers: ClinVar variation 2925403 (VCV002925403.6), dbSNP rs2484702812, ClinGen allele CA368220097.

ClinVar aggregate classification (germline): Pathogenic/Likely pathogenic. Review status: criteria provided, multiple submitters, no conflicts (2 of 4 stars). 4 submissions from 4 submitters: Pathogenic (3); Likely pathogenic (1). Last evaluated 2025-05-19.

Conditions:
Osteogenesis imperfecta (OI). Identifiers: Orphanet 666, MedGen C0029434, MeSH D010013, MONDO:0019019.
Cardiovascular phenotype. Identifiers: MedGen CN230736.
Osteogenesis imperfecta type I (OI1). Also called: Lobstein disease; OI, TYPE I; OSTEOGENESIS IMPERFECTA TARDA; OSTEOGENESIS IMPERFECTA WITH BLUE SCLERAE; Osteogenesis imperfecta type 1; Lobstein's Disease. Identifiers: Orphanet 216796, Orphanet 666, MedGen C0023931, MONDO:0008146, OMIM 166200. Disease mechanism: loss of function.
Ehlers-Danlos syndrome, classic type, 1 (EDSCL1). Also called: EDS I; EHLERS-DANLOS SYNDROME, GRAVIS TYPE; EHLERS-DANLOS SYNDROME, SEVERE CLASSIC TYPE; Ehlers-Danlos syndrome, type 1; Ehlers-Danlos Syndrome, Classic Type, COL5A1-Related. Identifiers: MedGen C0268335, MONDO:0019567, OMIM 130000.

Submissions (4):

Labcorp Genetics (formerly Invitae), Labcorp
Classification: Pathogenic for Osteogenesis imperfecta type I; Ehlers-Danlos syndrome, classic type, 1. Last evaluated: 2025-05-19. Review status: criteria provided, single submitter. Criteria: Invitae Variant Classification Sherloc (09022015). Collection method: clinical testing. Allele origin: germline.
Comment: This sequence change replaces glycine, which is neutral and non-polar, with aspartic acid, which is acidic and polar, at codon 196 of the COL1A2 protein (p.Gly196Asp). This variant is not present in population databases (gnomAD no frequency). This missense change has been observed in individual(s) with osteogenesis imperfecta (PMID: 22753364, 30886339). ClinVar contains an entry for this variant (Variation ID: 2925403). Invitae Evidence Modeling of protein sequence and biophysical properties (such as structural, functional, and spatial information, amino acid conservation, physicochemical variation, residue mobility, and thermodynamic stability) indicates that this missense variant is expected to disrupt COL1A2 protein function with a positive predictive value of 95%. This variant disrupts the triple helix domain of COL1A2. Glycine residues within the Gly-Xaa-Yaa repeats of the triple helix domain are required for the structure and stability of fibrillar collagens (PMID: 7695699, 8218237, 19344236). In COL1A2, variants affecting these glycine residues are significantly enriched in individuals with disease (PMID: 9016532, 17078022) compared to the general population (ExAC). For these reasons, this variant has been classified as Pathogenic.

Ambry Genetics
Classification: Likely pathogenic for Cardiovascular phenotype. Last evaluated: 2025-01-10. Review status: criteria provided, single submitter. Criteria: Ambry Variant Classification Scheme 2023. Collection method: clinical testing. Allele origin: germline.
Comment: The c.587G>A (p.G196D) alteration is located in exon 12 (coding exon 12) of the COL1A2 gene. This alteration results from a G to A substitution at nucleotide position 587, causing the glycine (G) at amino acid position 196 to be replaced by an aspartic acid (D). for autosomal dominant COL1A2-related osteogenesis imperfecta/overlap disorder; however, its clinical significance for both autosomal recessive COL1A2-related cardiac valvular type Ehlers-Danlos syndrome and autosomal dominant COL1A2-related arthrochalasia type Ehlers-Danlos syndrome is uncertain. This variant was not reported in population-based cohorts in the Genome Aggregation Database (gnomAD). This variant was reported in individuals with features consistent with COL1A2-related osteogenesis imperfecta/overlap disorder (Gentile, 2012; Maioli, 2019) This amino acid position is highly conserved in available vertebrate species. The majority of pathogenic mutations identified to date in COL1A2 have involved the substitution of another amino acid for glycine within the triple-helical domain (Dagleish, 1997; Marini,2007; Bardai,2016). Internal structural analysis indicates that this alteration disrupts the characteristic G-X-Y motif in theCOL1A2protein and inserts a bulky side chain into asterically-constrainedregion (Bella, 1994;Hohenester,2008; Ambry internal data). This alteration is predicted to be deleterious by in silico analysis. Based on the available evidence, this alteration is classified as likely pathogenic.

Revvity Omics, Revvity
Classification: Pathogenic. Last evaluated: 2023-11-27. Review status: criteria provided, single submitter. Criteria: ACMG Guidelines, 2015. Collection method: clinical testing. Allele origin: germline.

Victorian Clinical Genetics Services, Murdoch Childrens Research Institute
Classification: Pathogenic for Osteogenesis imperfecta. Last evaluated: 2023-07-17. Review status: criteria provided, single submitter. Criteria: ACMG Guidelines, 2015. Collection method: clinical testing. Allele origin: germline. Inheritance: Autosomal dominant inheritance. Affected: yes.
Comment: Based on the classification scheme VCGS_Germline_v1.3.4, this variant is classified as Pathogenic. Following criteria are met: 0103 - Dominant negative and loss of function are known mechanisms of disease in this gene. Heterozygous missense variants causing severe and lethal forms of osteogenesis imperfecta (MIM#s166210, 259420 & 166220) are due to a dominant negative mechanism, whereas biallelic loss of function variants result in the autosomal recessive form of Ehlers-Danlos syndrome (MIM#225320). The exact mechanism of disease for the autosomal dominant form of Ehlers-Danlos syndrome (MIM#2617821) remains unclear, however variants have been shown to result in the whole or partial skipping of exon 6 (PMIDs: 12362985, 31218159). (I) 0108 - This gene is associated with both recessive and dominant disease (OMIM). (I) 0115 - Variants in this gene are known to have variable expressivity. The severity of osteogenesis imperfecta varies greatly with inter and intrafamilial variability described (GeneReviews). (I) 0200 - Variant is predicted to result in a missense amino acid change from glycine to aspartic acid. (I) 0251 - This variant is heterozygous. (I) 0301 - Variant is absent from gnomAD (both v2 and v3). (SP) 0501 - Missense variant consistently predicted to be damaging by multiple in silico tools or highly conserved with a major amino acid change. (SP) 0601 - Variant is a glycine substitution in the GXY motif located within the well-established functional collagen domain (DECIPHER). (SP) 0702 - Other missense variants comparable to the one identified in this case have strong previous evidence for pathogenicity. Changes to serine, valine, cysteine and arginine have been regarded as pathogenic in ClinVar by diagnostic laboratories. (SP) 0803 - This variant has limited previous evidence of pathogenicity in unrelated individuals. It has been reported in at least two individuals with osteogenesis imperfecta (PMIDs: 30886339, 22753364). (SP) 1208 - Inheritance information for this variant is not currently available in this individual. (I) Legend: (SP) - Supporting pathogenic, (I) - Information, (SB) - Supporting benign

Literature cited by the submitters: PubMed 22753364 (cited by 3 submitters); PubMed 30886339 (cited by 3 submitters); PubMed 7695699 (cited by Labcorp Genetics (formerly Invitae), Labcorp); PubMed 8218237 (cited by Labcorp Genetics (formerly Invitae), Labcorp); PubMed 19344236 (cited by Labcorp Genetics (formerly Invitae), Labcorp); PubMed 9016532 (cited by Labcorp Genetics (formerly Invitae), Labcorp); PubMed 17078022 (cited by Labcorp Genetics (formerly Invitae), Labcorp).